The following is an entry in ClinVar:

ClinVar aggregate classification (germline): Uncertain significance (1 of 4 stars; one submission).

Conditions:
Imerslund-Grasbeck syndrome. Also called: PERNICIOUS ANEMIA, JUVENILE, DUE TO SELECTIVE INTESTINAL MALABSORPTION OF VITAMIN B12, WITH PROTEINURIA; Megaloblastic anemia due to inborn errors of metabolism; Imerslund-Gräsbeck syndrome; ENTEROCYTE COBALAMIN MALABSORPTION; ENTEROCYTE INTRINSIC FACTOR RECEPTOR, DEFECT OF. Identifiers: Orphanet 35858, MedGen C4551825, MONDO:0009853.

Allele frequency attached by ClinVar (database versions not stated): gnomAD exomes below 0.00001; TOPMed below 0.00001.
gnomAD v4.1: 1 of 1,614,164 alleles (0.000062%); highest among the groups gnomAD compares: East Asian, 0.0022%; no homozygotes.

Submission:

Labcorp Genetics (formerly Invitae), Labcorp
Classification: Uncertain significance for Imerslund-Grasbeck syndrome. Last evaluated: 2022-01-14. Review status: criteria provided, single submitter. Criteria: Invitae Variant Classification Sherloc (09022015). Collection method: clinical testing. Allele origin: germline.
Comment: ClinVar contains an entry for this variant (Variation ID: 1017794). This variant has not been reported in the literature in individuals affected with CUBN-related conditions. This variant is present in population databases (no rsID available, gnomAD 0.006%). This sequence change replaces tyrosine, which is neutral and polar, with histidine, which is basic and polar, at codon 3531 of the CUBN protein (p.Tyr3531His). In summary, the available evidence is currently insufficient to determine the role of this variant in disease. Therefore, it has been classified as a Variant of Uncertain Significance. Algorithms developed to predict the effect of missense changes on protein structure and function are either unavailable or do not agree on the potential impact of this missense change (SIFT: "Deleterious"; PolyPhen-2: "Probably Damaging"; Align-GVGD: "Class C0").

NM_001081.4(CUBN):c.10591T>C (p.Tyr3531His)

Gene: CUBN (cubilin; minus strand). Cytogenetic location: 10p13.
Variant type: single nucleotide variant.
Coding change: c.10591T>C on transcript NM_001081.4 (MANE Select); coding-DNA position 10591, T replaced by C.
Protein change: p.Tyr3531His; replaces tyrosine 3531 with histidine.
Molecular consequence: missense variant.
Genome position (GRCh38, 1-based): chr10:16,828,978, A>G on the plus strand (T>C on the coding strand, the complement: CUBN is on the minus strand). VCF-style: chr10-16828978-A-G. GRCh37 (hg19) VCF-style: chr10-16870977-A-G.
Other names: short protein forms Y3531H.
Identifiers: ClinVar variation 1017794 (VCV001017794.10), dbSNP rs1388282481, ClinGen allele CA376120154.